The following is an entry in ClinVar:

ClinVar aggregate classification (germline): Uncertain significance. Review status: criteria provided, multiple submitters, no conflicts (2 of 4 stars). 2 submissions from 2 submitters: Uncertain significance (2). Last evaluated 2025-10-27.

Conditions:
Cowden syndrome 6 (CWS6). Identifiers: Orphanet 201, MedGen C3554519, MONDO:0014048, OMIM 615109.

Allele frequency attached by ClinVar (database versions not stated): gnomAD exomes 0.00004 and 0.00005; TOPMed 0.00004; gnomAD 0.00005; ExAC 0.00006; ESP Exome Variant Server 0.00008.
gnomAD v4.1: 77 of 1,613,550 alleles (0.0048%); highest among the groups gnomAD compares: Middle Eastern, 0.016%; no homozygotes.

Submissions (2):

Labcorp Genetics (formerly Invitae), Labcorp
Classification: Uncertain significance for Cowden syndrome 6. Last evaluated: 2025-10-27. Review status: criteria provided, single submitter. Criteria: Invitae Variant Classification Sherloc (09022015). Collection method: clinical testing. Allele origin: germline.
Comment: This sequence change replaces arginine, which is basic and polar, with cysteine, which is neutral and slightly polar, at codon 48 of the AKT1 protein (p.Arg48Cys). This variant is present in population databases (rs374093099, gnomAD 0.006%). This variant has not been reported in the literature in individuals affected with AKT1-related conditions. ClinVar contains an entry for this variant (Variation ID: 473854). An algorithm developed to predict the effect of missense changes on protein structure and function (PolyPhen-2) suggests that this variant is likely to be disruptive. In summary, the available evidence is currently insufficient to determine the role of this variant in disease. Therefore, it has been classified as a Variant of Uncertain Significance.

Breakthrough Genomics
Classification: Uncertain significance. Review status: criteria provided, single submitter. Criteria: ACMG Guidelines, 2015. Collection method: not provided. Allele origin: germline. Inheritance: Autosomal dominant inheritance. Affected: yes.

NM_001382430.1(AKT1):c.142C>T (p.Arg48Cys)

Gene: AKT1 (AKT serine/threonine kinase 1; minus strand). Cytogenetic location: 14q32.33.
Variant type: single nucleotide variant.
Coding change: c.142C>T on transcript NM_001382430.1 (MANE Select); coding-DNA position 142, C replaced by T.
Protein change: p.Arg48Cys; replaces arginine 48 with cysteine.
Molecular consequence: missense variant.
Genome position (GRCh38, 1-based): chr14:104,780,121, G>A on the plus strand (C>T on the coding strand, the complement: AKT1 is on the minus strand). VCF-style: chr14-104780121-G-A. GRCh37 (hg19) VCF-style: chr14-105246458-G-A.
Other names: c.142C>T, p.Arg48Cys (NM_001014431.2, NM_001014432.2, NM_001382431.1 and 3 more transcripts); short protein forms R48C.
Identifiers: ClinVar variation 473854 (VCV000473854.10), dbSNP rs374093099, ClinGen allele CA7374896.